The following is an entry in ClinVar:

NM_173660.5(DOK7):c.1214A>G (p.Tyr405Cys)

Gene: DOK7 (docking protein 7; plus strand). Cytogenetic location: 4p16.3.
Variant type: single nucleotide variant.
Coding change: c.1214A>G on transcript NM_173660.5 (MANE Select); coding-DNA position 1214, A replaced by G.
Protein change: p.Tyr405Cys; replaces tyrosine 405 with cysteine.
Molecular consequence: missense variant. On other transcripts: 3 prime UTR variant (1).
Genome position (GRCh38, 1-based): chr4:3,493,200, A>G. VCF-style: chr4-3493200-A-G. GRCh37 (hg19) VCF-style: chr4-3494927-A-G.
Other names: c.*435A>G (NM_001164673.2); c.284A>G, p.Tyr95Cys (NM_001256896.2); c.1214A>G, p.Tyr405Cys (NM_001301071.2); c.782A>G, p.Tyr261Cys (NM_001363811.2); short protein forms Y261C, Y405C, Y95C.
Identifiers: ClinVar variation 665723 (VCV000665723.9), dbSNP rs746536929, ClinGen allele CA2829411.

ClinVar aggregate classification (germline): Uncertain significance. Review status: criteria provided, multiple submitters, no conflicts (2 of 4 stars). 3 submissions from 3 submitters: Uncertain significance (3). Last evaluated 2025-03-20.

Conditions:
Fetal akinesia deformation sequence 1 (FADS1). Also called: Pena-Shokeir syndrome type I; Fetal akinesia sequence. Identifiers: Orphanet 994, MedGen C1276035, MONDO:0100101, OMIM 208150, HP:0001989.
Congenital myasthenic syndrome 10. Also called: Myasthenia, limb-girdle, familial. Identifiers: Orphanet 590, MedGen C1850792, MONDO:0009690, OMIM 254300.
Inborn genetic diseases. Identifiers: MedGen C0950123, MeSH D030342.

Allele frequency attached by ClinVar (database versions not stated): ExAC 0.00001; gnomAD 0.00001; gnomAD exomes 0.00001; TOPMed 0.00002.
gnomAD v4.1: 10 of 1,611,486 alleles (0.00062%); highest among the groups gnomAD compares: Admixed American, 0.0017%; no homozygotes.

Submissions (3):

GeneDx
Classification: Uncertain significance. Last evaluated: 2025-03-20. Review status: criteria provided, single submitter. Criteria: GeneDx Variant Classification Process June 2021. Collection method: clinical testing. Allele origin: germline. Affected: yes.
Comment: Not observed at significant frequency in large population cohorts (gnomAD); In silico analysis supports that this missense variant has a deleterious effect on protein structure/function; Has not been previously published as pathogenic or benign to our knowledge

Ambry Genetics
Classification: Uncertain significance for Inborn genetic diseases. Last evaluated: 2023-03-21. Review status: criteria provided, single submitter. Criteria: Ambry Variant Classification Scheme 2023. Collection method: clinical testing. Allele origin: germline.

Labcorp Genetics (formerly Invitae), Labcorp
Classification: Uncertain significance for Congenital myasthenic syndrome 10; Fetal akinesia deformation sequence 1. Last evaluated: 2021-12-07. Review status: criteria provided, single submitter. Criteria: Invitae Variant Classification Sherloc (09022015). Collection method: clinical testing. Allele origin: germline.
Comment: In summary, the available evidence is currently insufficient to determine the role of this variant in disease. Therefore, it has been classified as a Variant of Uncertain Significance. Algorithms developed to predict the effect of missense changes on protein structure and function are either unavailable or do not agree on the potential impact of this missense change (SIFT: "Deleterious"; PolyPhen-2: "Probably Damaging"; Align-GVGD: "Class C0"). This sequence change replaces tyrosine, which is neutral and polar, with cysteine, which is neutral and slightly polar, at codon 405 of the DOK7 protein (p.Tyr405Cys). The frequency data for this variant in the population databases is considered unreliable, as metrics indicate poor data quality at this position in the gnomAD database. This variant has not been reported in the literature in individuals affected with DOK7-related conditions. ClinVar contains an entry for this variant (Variation ID: 665723).